The following is an entry in ClinVar:

NM_002693.3(POLG):c.1968C>T (p.Tyr656=)

Gene: POLG (DNA polymerase gamma, catalytic subunit; minus strand). Cytogenetic location: 15q26.1.
Variant type: single nucleotide variant.
Coding change: c.1968C>T on transcript NM_002693.3 (MANE Select); coding-DNA position 1968, C replaced by T.
Protein change: p.Tyr656=; no amino-acid change (tyrosine 656 retained).
Molecular consequence: synonymous variant.
Genome position (GRCh38, 1-based): chr15:89,324,209, G>A on the plus strand (C>T on the coding strand, the complement: POLG is on the minus strand). VCF-style: chr15-89324209-G-A. GRCh37 (hg19) VCF-style: chr15-89867440-G-A.
Other names: c.1968C>T, p.Tyr656= (NM_001126131.2).
Identifiers: ClinVar variation 761614 (VCV000761614.10), dbSNP rs765009891, ClinGen allele CA7724629.

ClinVar aggregate classification (germline): Likely benign. Review status: criteria provided, single submitter (1 of 4 stars). 2 submissions from 2 submitters: Likely benign (1). 1 of the submissions does not count toward it. Last evaluated 2018-10-18.

Conditions:
POLG-related disorder. Also called: POLG-related condition; POLG-Related Disorders; POLG-Related Spectrum Disorders. Identifiers: MedGen C4763519.
Progressive sclerosing poliodystrophy (MTDPS4A). Also called: NEURONAL DEGENERATION OF CHILDHOOD WITH LIVER DISEASE, PROGRESSIVE; Mitochondrial DNA Depletion Syndrome 4A; Alpers-Huttenlocher Syndrome (AHS); ALPERS PROGRESSIVE INFANTILE POLIODYSTROPHY; Alpers Syndrome; ALPERS DIFFUSE DEGENERATION OF CEREBRAL GRAY MATTER WITH HEPATIC CIRRHOSIS. Identifiers: Orphanet 726, MedGen C0205710, MONDO:0008758, OMIM 203700.

Allele frequency attached by ClinVar (database versions not stated): gnomAD exomes below 0.00001; ExAC 0.00001.
gnomAD v4.1: 1 of 1,613,250 alleles (0.000062%); highest among the groups gnomAD compares: African/African-American, 0.0013%; no homozygotes.

Submissions (2):

Labcorp Genetics (formerly Invitae), Labcorp
Classification: Likely benign for Progressive sclerosing poliodystrophy. Last evaluated: 2018-10-18. Review status: criteria provided, single submitter. Criteria: Invitae Variant Classification Sherloc (09022015). Collection method: clinical testing. Allele origin: germline.

PreventionGenetics, part of Exact Sciences
Classification: Likely benign for POLG-related condition. Last evaluated: 2020-02-25. Review status: no assertion criteria provided. Collection method: clinical testing. Allele origin: germline. Not counted in ClinVar's aggregate classification.
Comment: This variant is classified as likely benign based on ACMG/AMP sequence variant interpretation guidelines (Richards et al. 2015 PMID: 25741868, with internal and published modifications).